The following is an entry in ClinVar:

NM_015295.3(SMCHD1):c.4255A>G (p.Thr1419Ala)

Gene: SMCHD1 (structural maintenance of chromosomes flexible hinge domain containing 1; plus strand). Cytogenetic location: 18p11.32.
Variant type: single nucleotide variant.
Coding change: c.4255A>G on transcript NM_015295.3 (MANE Select); coding-DNA position 4255, A replaced by G.
Protein change: p.Thr1419Ala; replaces threonine 1419 with alanine.
Molecular consequence: missense variant.
Genome position (GRCh38, 1-based): chr18:2,751,367, A>G. VCF-style: chr18-2751367-A-G. GRCh37 (hg19) VCF-style: chr18-2751365-A-G.
Other names: short protein forms T1419A.
Identifiers: ClinVar variation 532802 (VCV000532802.16), dbSNP rs191487554, ClinGen allele CA8871420.

ClinVar aggregate classification (germline): Uncertain significance. Review status: criteria provided, multiple submitters, no conflicts (2 of 4 stars). 4 submissions from 4 submitters: Uncertain significance (4). Last evaluated 2026-02-02.

Conditions:
Inborn genetic diseases. Identifiers: MedGen C0950123, MeSH D030342.
Facioscapulohumeral muscular dystrophy 2 (FSHD2). Also called: FACIOSCAPULOHUMERAL MUSCULAR DYSTROPHY 2, DIGENIC; FSHD2, DIGENIC; MUSCULAR DYSTROPHY, FACIOSCAPULOHUMERAL, TYPE 1B. Identifiers: Orphanet 269, MedGen C1834671, MONDO:0008031, OMIM 158901.

Allele frequency attached by ClinVar (database versions not stated): gnomAD exomes 0.00003 and 0.00005; ExAC 0.00006; gnomAD 0.00029 and 0.00026; 1000 Genomes Project 30x 0.00047; 1000 Genomes Project 0.00060; ESP Exome Variant Server 0.00008; TOPMed 0.00020.
gnomAD v4.1: 95 of 1,573,618 alleles (0.006%); highest among the groups gnomAD compares: African/African-American, 0.11%; no homozygotes.

Submissions (4):

Labcorp Genetics (formerly Invitae), Labcorp
Classification: Uncertain significance for Facioscapulohumeral muscular dystrophy 2. Last evaluated: 2026-02-02. Review status: criteria provided, single submitter. Criteria: Invitae Variant Classification Sherloc (09022015). Collection method: clinical testing. Allele origin: germline.
Comment: This sequence change replaces threonine, which is neutral and polar, with alanine, which is neutral and non-polar, at codon 1419 of the SMCHD1 protein (p.Thr1419Ala). This variant is present in population databases (rs191487554, gnomAD 0.07%), and has an allele count higher than expected for a pathogenic variant. This variant has not been reported in the literature in individuals affected with SMCHD1-related conditions. ClinVar contains an entry for this variant (Variation ID: 532802). Invitae Evidence Modeling of protein sequence and biophysical properties (such as structural, functional, and spatial information, amino acid conservation, physicochemical variation, residue mobility, and thermodynamic stability) indicates that this missense variant is not expected to disrupt SMCHD1 protein function with a negative predictive value of 80%. In summary, the available evidence is currently insufficient to determine the role of this variant in disease. Therefore, it has been classified as a Variant of Uncertain Significance.

Ambry Genetics
Classification: Uncertain significance for Inborn genetic diseases. Last evaluated: 2025-06-18. Review status: criteria provided, single submitter. Criteria: Ambry Variant Classification Scheme 2023. Collection method: clinical testing. Allele origin: germline.

Revvity Omics, Revvity
Classification: Uncertain significance. Last evaluated: 2019-05-01. Review status: criteria provided, single submitter. Criteria: ACMG Guidelines, 2015. Collection method: clinical testing. Allele origin: germline.

Eurofins Ntd Llc (ga)
Classification: Uncertain significance. Last evaluated: 2017-10-10. Review status: criteria provided, single submitter. Criteria: EGL Classification Definitions 2015. Collection method: clinical testing. Allele origin: germline. Observed: 1 variant allele, 1 heterozygote.